The following is an entry in ClinVar:

ClinVar aggregate classification (germline): Uncertain significance (1 of 4 stars; one submission).

Conditions:
MEGF10-related myopathy (CMYO10A). Also called: Congenital myopathy 10A, severe variant. Identifiers: Orphanet 439212, MedGen C3280679, MONDO:0013731, OMIM 614399.

Allele frequency attached by ClinVar (database versions not stated): gnomAD exomes below 0.00001.
gnomAD v4.1: 1 of 1,614,196 alleles (0.000062%); highest among the groups gnomAD compares: East Asian, 0.0022%; no homozygotes.

Submission:

Labcorp Genetics (formerly Invitae), Labcorp
Classification: Uncertain significance for MEGF10-related myopathy. Last evaluated: 2022-06-02. Review status: criteria provided, single submitter. Criteria: Invitae Variant Classification Sherloc (09022015). Collection method: clinical testing. Allele origin: germline.
Comment: This sequence change replaces cysteine, which is neutral and slightly polar, with arginine, which is basic and polar, at codon 482 of the MEGF10 protein (p.Cys482Arg). This variant is present in population databases (no rsID available, gnomAD 0.006%). This variant has not been reported in the literature in individuals affected with MEGF10-related conditions. Algorithms developed to predict the effect of missense changes on protein structure and function (SIFT, PolyPhen-2, Align-GVGD) all suggest that this variant is likely to be disruptive. In summary, the available evidence is currently insufficient to determine the role of this variant in disease. Therefore, it has been classified as a Variant of Uncertain Significance.

NM_001256545.2(MEGF10):c.1444T>C (p.Cys482Arg)

Gene: MEGF10 (multiple EGF like domains 10; plus strand). Cytogenetic location: 5q23.2.
Variant type: single nucleotide variant.
Coding change: c.1444T>C on transcript NM_001256545.2 (MANE Select); coding-DNA position 1444, T replaced by C.
Protein change: p.Cys482Arg; replaces cysteine 482 with arginine.
Molecular consequence: missense variant.
Genome position (GRCh38, 1-based): chr5:127,420,061, T>C. VCF-style: chr5-127420061-T-C. GRCh37 (hg19) VCF-style: chr5-126755753-T-C.
Other names: c.1444T>C, p.Cys482Arg (NM_001308119.2, NM_001308121.2, NM_032446.3); short protein forms C482R.
Identifiers: ClinVar variation 2122739 (VCV002122739.4), dbSNP rs1425998769, ClinGen allele CA360729847.
Genomic context (GRCh38, chr5:127,420,061, plus strand): 5'-CTGCCTTTGTTCGCTCACGTGCTCTGGCGTTCTTGTCGCACAGGCTGGCACGGGGTGGAC[T>C]GCTCCATCAGATGTCCCAGTGGCACATGGGGCTTTGGCTGTAACTTAACATGCCAGTGCC-3'
Protein context (NP_001243474.1, residues 472-492): TCKAGWHGVD[Cys482Arg]SIRCPSGTWG